The following is an entry in ClinVar:

ClinVar aggregate classification (germline): Benign/Likely benign. Review status: criteria provided, multiple submitters, no conflicts (2 of 4 stars). 15 submissions from 14 submitters: Benign (3); Likely benign (8). 4 of the submissions do not count toward it. Last evaluated 2026-01-31.

Conditions:
Hereditary cancer-predisposing syndrome. Also called: Hereditary Cancer Syndrome; Hereditary neoplastic syndrome; Tumor predisposition; Neoplastic Syndromes, Hereditary. Identifiers: Orphanet 140162, MedGen C0027672, MeSH D009386, MONDO:0015356.
CHEK2-related cancer predisposition (TPDS4). Also called: CHEK2-related cancer susceptibility; TUMOR PREDISPOSITION SYNDROME 4; CANCER PREDISPOSITION SYNDROME, CHEK2-RELATED. Identifiers: Orphanet 524, MedGen C5882668, MONDO:0700271, OMIM 609265.
Familial cancer of breast. Also called: Hereditary breast cancer; hereditary breast carcinoma; BREAST CANCER, FAMILIAL. Identifiers: Orphanet 227535, MedGen C0346153, MONDO:0016419, OMIM 114480. Disease mechanism: loss of function.

Allele frequency attached by ClinVar (database versions not stated): gnomAD 0.00010 and 0.00009; TOPMed 0.00011; 1000 Genomes Project 30x 0.00016; gnomAD exomes 0.00018; 1000 Genomes Project 0.00020; ExAC 0.00025.
gnomAD v4.1: 186 of 1,542,484 alleles (0.012%); highest among the groups gnomAD compares: Middle Eastern, 0.24%; 1 homozygote.

Submissions (15):

Labcorp Genetics (formerly Invitae), Labcorp
Classification: Benign for Familial cancer of breast. Last evaluated: 2026-01-31. Review status: criteria provided, single submitter. Criteria: Invitae Variant Classification Sherloc (09022015). Collection method: clinical testing. Allele origin: germline.

Dasa
Classification: Likely benign. Last evaluated: 2025-11-04. Review status: criteria provided, single submitter. Criteria: DASA Assertion Criteria. Collection method: clinical testing. Allele origin: germline.
Comment: NM_007194.4(CHEK2):c.1095+19G>A is an intronic variant. Population frequency is inconsistent with a disease-causing role for this variant. Computational prediction algorithms are consistent with a benign effect. Therefore, based on the currently available evidence, this variant is classified as likely benign.

Genomic Medicine Center of Excellence, King Faisal Specialist Hospital and Research Centre
Classification: Likely benign. Last evaluated: 2025-08-18. Review status: criteria provided, single submitter. Criteria: ACMG Guidelines, 2015. Collection method: clinical testing. Allele origin: germline.

Center for Genomic Medicine, Rigshospitalet, Copenhagen University Hospital
Classification: Likely benign. Last evaluated: 2025-03-04. Review status: criteria provided, single submitter. Criteria: ACMG Guidelines, 2015. Collection method: clinical testing. Allele origin: germline.

KCCC/NGS Laboratory, Kuwait Cancer Control Center
Classification: Benign for CHEK2-related cancer predisposition. Last evaluated: 2025-02-01. Review status: criteria provided, single submitter. Criteria: ACMG Guidelines, 2015. Collection method: clinical testing. Allele origin: germline. Affected: no.

Blueprint Genetics
Classification: Likely benign. Last evaluated: 2024-08-01. Review status: criteria provided, single submitter. Criteria: ACMG Guidelines, 2015. Collection method: clinical testing. Allele origin: germline.

ARUP Laboratories, Molecular Genetics and Genomics, ARUP Laboratories
Classification: Likely benign. Last evaluated: 2023-10-27. Review status: criteria provided, single submitter. Criteria: ARUP Molecular Germline Variant Investigation Process 2024. Collection method: clinical testing. Allele origin: germline.

KCCC/NGS Laboratory, Kuwait Cancer Control Center
Classification: Likely benign for Familial cancer of breast. Last evaluated: 2023-07-07. Review status: criteria provided, single submitter. Criteria: ACMG Guidelines, 2015. Collection method: clinical testing. Allele origin: germline. Affected: yes.

Color Diagnostics, LLC DBA Color Health
Classification: Likely benign for Hereditary cancer-predisposing syndrome. Last evaluated: 2015-07-29. Review status: criteria provided, single submitter. Criteria: ACMG Guidelines, 2015. Collection method: clinical testing. Allele origin: germline.

GeneDx
Classification: Benign. Last evaluated: 2015-03-03. Review status: criteria provided, single submitter. Criteria: GeneDx Variant Classification Process June 2021. Collection method: clinical testing. Allele origin: germline. Affected: yes.

Breakthrough Genomics
Classification: Likely benign. Review status: criteria provided, single submitter. Criteria: ACMG Guidelines, 2015. Collection method: not provided. Allele origin: germline. Inheritance: Autosomal dominant inheritance. Affected: yes.

Counsyl
Classification: Likely benign for Familial cancer of breast. Last evaluated: 2016-05-06. Review status: no assertion criteria provided. Collection method: clinical testing. Allele origin: unknown. Not counted in ClinVar's aggregate classification.

Diagnostic Laboratory, Department of Genetics, University Medical Center Groningen
Classification: Likely benign. Review status: no assertion criteria provided. Collection method: clinical testing. Allele origin: germline. Affected: yes. Study: VKGL Data-share Consensus. Not counted in ClinVar's aggregate classification.

Genome Diagnostics Laboratory, Amsterdam University Medical Center
Classification: Likely benign. Review status: no assertion criteria provided. Collection method: clinical testing. Allele origin: germline. Affected: yes. Study: VKGL Data-share Consensus. Not counted in ClinVar's aggregate classification.

Laboratory of Diagnostic Genome Analysis, Leiden University Medical Center (LUMC)
Classification: Likely benign. Review status: no assertion criteria provided. Collection method: clinical testing. Allele origin: germline. Affected: yes. Study: VKGL Data-share Consensus. Not counted in ClinVar's aggregate classification.

NM_007194.4(CHEK2):c.1095+19G>A

Gene: CHEK2 (checkpoint kinase 2; minus strand). Cytogenetic location: 22q12.1.
Variant type: single nucleotide variant.
Coding change: c.1095+19G>A on transcript NM_007194.4 (MANE Select); 19 bases into the intron after coding-DNA position 1095, G replaced by A.
Molecular consequence: intron variant.
Genome position (GRCh38, 1-based): chr22:28,696,882, C>T on the plus strand (G>A on the coding strand, the complement: CHEK2 is on the minus strand). VCF-style: chr22-28696882-C-T. GRCh37 (hg19) VCF-style: chr22-29092870-C-T.
Other names: c.1224+19G>A (NM_001005735.2, NM_001005735.3); c.432+19G>A (NM_001437942.1, NM_001257387.3); c.894+19G>A (NM_001349956.3); c.1009-1009G>A (NM_145862.3); c.1102-1009G>A (NM_001438295.1); c.1188+19G>A (NM_001438293.1); c.1138-1009G>A (NM_001438294.1).
Identifiers: ClinVar variation 371849 (VCV000371849.29), dbSNP rs200020484, ClinGen allele CA10167732.